The following is an entry in ClinVar:

ClinVar aggregate classification (germline): Uncertain significance. Review status: criteria provided, multiple submitters, no conflicts (2 of 4 stars). 2 submissions from 2 submitters: Uncertain significance (2). Last evaluated 2025-04-10.

gnomAD v4.1: 16 of 1,610,780 alleles (0.00099%); highest among the groups gnomAD compares: Non-Finnish European, 0.0014%; no homozygotes.

Submissions (2):

Ambry Genetics
Classification: Uncertain significance. Last evaluated: 2025-04-10. Review status: criteria provided, single submitter. Criteria: Ambry Variant Classification Scheme 2023. Collection method: clinical testing. Allele origin: germline.

Labcorp Genetics (formerly Invitae), Labcorp
Classification: Uncertain significance. Last evaluated: 2021-12-29. Review status: criteria provided, single submitter. Criteria: Invitae Variant Classification Sherloc (09022015). Collection method: clinical testing. Allele origin: germline.
Comment: This sequence change replaces serine, which is neutral and polar, with glycine, which is neutral and non-polar, at codon 490 of the C5 protein (p.Ser490Gly). This variant is present in population databases (no rsID available, gnomAD 0.003%). This variant has not been reported in the literature in individuals affected with C5-related conditions. Algorithms developed to predict the effect of missense changes on protein structure and function (SIFT, PolyPhen-2, Align-GVGD) all suggest that this variant is likely to be tolerated. Algorithms developed to predict the effect of sequence changes on RNA splicing suggest that this variant may create or strengthen a splice site. In summary, the available evidence is currently insufficient to determine the role of this variant in disease. Therefore, it has been classified as a Variant of Uncertain Significance.

NM_001735.3(C5):c.1468A>G (p.Ser490Gly)

Gene: C5 (complement C5; minus strand). Cytogenetic location: 9q33.2.
Variant type: single nucleotide variant.
Coding change: c.1468A>G on transcript NM_001735.3 (MANE Select); coding-DNA position 1468, A replaced by G.
Protein change: p.Ser490Gly; replaces serine 490 with glycine.
Molecular consequence: missense variant.
Genome position (GRCh38, 1-based): chr9:121,020,014, T>C on the plus strand (A>G on the coding strand, the complement: C5 is on the minus strand). VCF-style: chr9-121020014-T-C. GRCh37 (hg19) VCF-style: chr9-123782292-T-C.
Other names: c.1486A>G, p.Ser496Gly (NM_001317163.2); c.1468A>G, p.Ser490Gly (NM_001317164.2); short protein forms S496G, S490G.
Identifiers: ClinVar variation 2056992 (VCV002056992.2), dbSNP rs775727300, ClinGen allele CA199384513.